The following is an entry in ClinVar:

ClinVar aggregate classification (germline): Uncertain significance (1 of 4 stars; one submission).

Submission:

GeneDx
Classification: Uncertain significance. Last evaluated: 2024-10-08. Review status: criteria provided, single submitter. Criteria: GeneDx Variant Classification Process June 2021. Collection method: clinical testing. Allele origin: germline. Affected: yes.
Comment: Not observed at significant frequency in large population cohorts (gnomAD); In silico analysis supports that this missense variant has a deleterious effect on protein structure/function; Has not been previously published as pathogenic or benign to our knowledge

NM_000937.5(POLR2A):c.3078T>A (p.Asp1026Glu)

Gene: POLR2A (RNA polymerase II subunit A; plus strand). Cytogenetic location: 17p13.1.
Variant type: single nucleotide variant.
Coding change: c.3078T>A on transcript NM_000937.5 (MANE Select); coding-DNA position 3078, T replaced by A.
Protein change: p.Asp1026Glu; replaces aspartic acid 1026 with glutamic acid.
Molecular consequence: missense variant.
Genome position (GRCh38, 1-based): chr17:7,503,629, T>A. VCF-style: chr17-7503629-T-A. GRCh37 (hg19) VCF-style: chr17-7406948-T-A.
Other names: short protein forms D1026E.
Identifiers: ClinVar variation 3777494 (VCV003777494.1).